The following is an entry in ClinVar:

NM_004341.5(CAD):c.2297T>C (p.Met766Thr)

Gene: CAD (carbamoyl-phosphate synthetase 2, aspartate transcarbamylase, and dihydroorotase; plus strand). Cytogenetic location: 2p23.3.
Variant type: single nucleotide variant.
Coding change: c.2297T>C on transcript NM_004341.5 (MANE Select); coding-DNA position 2297, T replaced by C.
Protein change: p.Met766Thr; replaces methionine 766 with threonine.
Molecular consequence: missense variant.
Genome position (GRCh38, 1-based): chr2:27,231,477, T>C. VCF-style: chr2-27231477-T-C. GRCh37 (hg19) VCF-style: chr2-27454345-T-C.
Other names: c.2108T>C, p.Met703Thr (NM_001306079.2); short protein forms M766T, M703T.
Identifiers: ClinVar variation 1496352 (VCV001496352.4), dbSNP rs138025761, ClinGen allele CA1572977.
Genomic context (GRCh38, chr2:27,231,477, plus strand): 5'-TCCCACCCCTTCCACCTCCACACCTTCATTCCTTCCATTCTGTTCTTCCAGGTGAAGTCA[T>C]GGGCATTGGGCGTTCATTTGAGGAGGCCTTCCAGAAGGCCCTGCGCATGGTGGATGAGAA-3'
Protein context (NP_004332.2, residues 756-776): GSCMKSVGEV[Met766Thr]GIGRSFEEAF

ClinVar aggregate classification (germline): Uncertain significance. Review status: criteria provided, single submitter (1 of 4 stars). 2 submissions from 2 submitters: Uncertain significance (1). 1 of the submissions does not count toward it. Last evaluated 2022-07-24.

Conditions:
Meniere disease. Also called: Ménière's disease. Identifiers: MedGen C0025281, MONDO:0007972, OMIM 156000.

Allele frequency attached by ClinVar (database versions not stated): ExAC 0.00004; gnomAD exomes 0.00004 and 0.00008; TOPMed 0.00005; gnomAD 0.00006; ESP Exome Variant Server 0.00023.
gnomAD v4.1: 119 of 1,601,986 alleles (0.0074%); highest among the groups gnomAD compares: Non-Finnish European, 0.01%; no homozygotes.

Submissions (2):

Labcorp Genetics (formerly Invitae), Labcorp
Classification: Uncertain significance. Last evaluated: 2022-07-24. Review status: criteria provided, single submitter. Criteria: Invitae Variant Classification Sherloc (09022015). Collection method: clinical testing. Allele origin: germline.
Comment: This sequence change replaces methionine, which is neutral and non-polar, with threonine, which is neutral and polar, at codon 766 of the CAD protein (p.Met766Thr). This variant is present in population databases (rs138025761, gnomAD 0.009%). This variant has not been reported in the literature in individuals affected with CAD-related conditions. ClinVar contains an entry for this variant (Variation ID: 1496352). Algorithms developed to predict the effect of missense changes on protein structure and function are either unavailable or do not agree on the potential impact of this missense change (SIFT: "Deleterious"; PolyPhen-2: "Probably Damaging"; Align-GVGD: "Class C0"). In summary, the available evidence is currently insufficient to determine the role of this variant in disease. Therefore, it has been classified as a Variant of Uncertain Significance.

Center for Computational Biology & Bioinformatics, University of California, San Diego
Classification: Uncertain significance for Meniere disease. Last evaluated: 2024-06-03. Review status: no assertion criteria provided. Collection method: research. Allele origin: germline. Affected: yes. Not counted in ClinVar's aggregate classification.